The following is an entry in ClinVar:

ClinVar aggregate classification (germline): Uncertain significance (1 of 4 stars; one submission).

Conditions:
Fanconi anemia (FA). Also called: Fanconi's anemia. Identifiers: Orphanet 84, MedGen C0015625, MeSH D005199, MONDO:0019391.

Allele frequency attached by ClinVar (database versions not stated): gnomAD exomes below 0.00001; ExAC 0.00001.
gnomAD v4.1: 2 of 1,613,894 alleles (0.00012%); highest among the groups gnomAD compares: South Asian, 0.0022%; no homozygotes.

Submission:

Labcorp Genetics (formerly Invitae), Labcorp
Classification: Uncertain significance for Fanconi anemia. Last evaluated: 2021-12-20. Review status: criteria provided, single submitter. Criteria: Invitae Variant Classification Sherloc (09022015). Collection method: clinical testing. Allele origin: germline.
Comment: In summary, the available evidence is currently insufficient to determine the role of this variant in disease. Therefore, it has been classified as a Variant of Uncertain Significance. Algorithms developed to predict the effect of missense changes on protein structure and function (SIFT, PolyPhen-2, Align-GVGD) all suggest that this variant is likely to be tolerated. This variant has not been reported in the literature in individuals affected with FANCI-related conditions. This variant is not present in population databases (gnomAD no frequency). This sequence change replaces glutamine, which is neutral and polar, with histidine, which is basic and polar, at codon 438 of the FANCI protein (p.Gln438His).

NM_001113378.2(FANCI):c.1314A>T (p.Gln438His)

Gene: FANCI (FA complementation group I; plus strand). Cytogenetic location: 15q26.1.
Variant type: single nucleotide variant.
Coding change: c.1314A>T on transcript NM_001113378.2 (MANE Select); coding-DNA position 1314, A replaced by T.
Protein change: p.Gln438His; replaces glutamine 438 with histidine.
Molecular consequence: missense variant.
Genome position (GRCh38, 1-based): chr15:89,278,707, A>T. VCF-style: chr15-89278707-A-T. GRCh37 (hg19) VCF-style: chr15-89821938-A-T.
Other names: c.1035A>T, p.Gln345His (NM_001376910.1); c.1314A>T, p.Gln438His (NM_001376911.1, NM_018193.3); short protein forms Q438H, Q345H.
Identifiers: ClinVar variation 2170049 (VCV002170049.4), dbSNP rs765785557, ClinGen allele CA7722984.
Genomic context (GRCh38, chr15:89,278,707, plus strand): 5'-GGGTCACCCAGGAATATTTTATTTATTCTGTTCTTTTTAGATCCATGAGATGATCAGACA[A>T]GAAATTTTGGAGCAGGTCCTCAACAGGGTTGTTACCAGAGCATCTTCTCCCATCAGTCAT-3'
Protein context (NP_001106849.1, residues 428-448): ETFKIHEMIR[Gln438His]EILEQVLNRV